The following is an entry in ClinVar:

ClinVar aggregate classification (germline): Uncertain significance. Review status: criteria provided, multiple submitters, no conflicts (2 of 4 stars). 3 submissions from 3 submitters: Uncertain significance (3). Last evaluated 2025-07-04.

Conditions:
Fanconi anemia (FA). Also called: Fanconi's anemia. Identifiers: Orphanet 84, MedGen C0015625, MeSH D005199, MONDO:0019391.

Allele frequency attached by ClinVar (database versions not stated): gnomAD exomes 0.00002 and 0.00004; TOPMed 0.00003; ExAC 0.00004; gnomAD 0.00005 and 0.00004; ESP Exome Variant Server 0.00023.
gnomAD v4.1: 33 of 1,601,276 alleles (0.0021%); highest among the groups gnomAD compares: Non-Finnish European, 0.0027%; no homozygotes.

Submissions (4):

Dasa
Classification: Uncertain significance. Last evaluated: 2025-07-04. Review status: criteria provided, single submitter. Criteria: DASA Assertion Criteria. Collection method: clinical testing. Allele origin: germline.
Comment: NM_001018115.3(FANCD2):c.3334A>G (p.Ser1112Gly) is a missense variant that results in the substitution of serine with glycine. This variant is rare in population databases. Computational prediction algorithms are consistent with a benign effect. The currently available literature and clinical evidence are not sufficient to establish a definitive association between this variant and the reported condition. Therefore, this variant is classified as a variant of uncertain significance.

Labcorp Genetics (formerly Invitae), Labcorp
Classification: Uncertain significance for Fanconi anemia. Last evaluated: 2025-03-09. Review status: criteria provided, single submitter. Criteria: Invitae Variant Classification Sherloc (09022015). Collection method: clinical testing. Allele origin: germline.
Comment: This sequence change replaces serine, which is neutral and polar, with glycine, which is neutral and non-polar, at codon 1112 of the FANCD2 protein (p.Ser1112Gly). The frequency data for this variant in the population databases is considered unreliable, as metrics indicate poor data quality at this position in the gnomAD database. This variant has not been reported in the literature in individuals affected with FANCD2-related conditions. ClinVar contains an entry for this variant (Variation ID: 1053492). An algorithm developed to predict the effect of missense changes on protein structure and function (PolyPhen-2) suggests that this variant is likely to be tolerated. In summary, the available evidence is currently insufficient to determine the role of this variant in disease. Therefore, it has been classified as a Variant of Uncertain Significance.

Blueprint Genetics
Classification: Uncertain significance. Last evaluated: 2024-10-22. Review status: criteria provided, single submitter. Criteria: ACMG Guidelines, 2015. Collection method: clinical testing. Allele origin: germline.

Dr. Peter K. Rogan Lab, Western University
No classification provided (evidence only). Condition: Ovarian serous cystadenocarcinoma. Review status: no classification provided. Collection method: in vitro. Allele origin: not applicable. Functional consequence: retained intron. Not counted in ClinVar's aggregate classification.

NM_001018115.3(FANCD2):c.3334A>G (p.Ser1112Gly)

Genes: FANCD2 (FA complementation group D2; plus strand), FANCD2OS (FANCD2 opposite strand; minus strand). Cytogenetic location: 3p25.3.
Variant type: single nucleotide variant.
Coding change: c.3334A>G on transcript NM_001018115.3 (MANE Select); coding-DNA position 3334, A replaced by G.
Protein change: p.Ser1112Gly; replaces serine 1112 with glycine.
Molecular consequence: missense variant. On other transcripts: intron variant (1).
Genome position (GRCh38, 1-based): chr3:10,085,921, A>G. VCF-style: chr3-10085921-A-G. GRCh37 (hg19) VCF-style: chr3-10127605-A-G.
Other names: c.3334A>G, p.Ser1112Gly (NM_001319984.2, NM_001374254.1, NM_033084.6); c.3223A>G, p.Ser1075Gly (NM_001374253.1); c.*44-4390T>C (NM_173472.2); short protein forms S1075G, S1112G.
Identifiers: ClinVar variation 1053492 (VCV001053492.12), dbSNP rs139929432, ClinGen allele CA2250340.